The following is an entry in ClinVar:

NM_153240.5(NPHP3):c.2702_2703del (p.Phe901fs)

Genes: NPHP3 (nephrocystin 3; minus strand), NPHP3-ACAD11 (NPHP3-ACAD11 readthrough (NMD candidate); minus strand). Cytogenetic location: 3q22.1.
Variant type: Deletion.
Coding change: c.2702_2703del on transcript NM_153240.5 (MANE Select); coding-DNA positions 2702 to 2703, 2 bases deleted (TT; older notation c.2702_2703delTT).
Protein change: p.Phe901fs; shifts the reading frame from phenylalanine 901.
Molecular consequence: frameshift variant. On other transcripts: non-coding transcript variant (1).
Genome position (GRCh38, 1-based): chr3:132,689,254-132,689,255, AA deleted on the plus strand (TT on the coding strand, the reverse complement: NPHP3 is on the minus strand); deleting any 2 consecutive bases within chr3:132,689,254-132,689,256 gives the same sequence; the c. name uses the placement nearest the transcript's 3' end. VCF-style (leftmost placement, unchanged base first): chr3-132689253-CAA-C. GRCh37 (hg19) VCF-style: chr3-132408097-CAA-C.
Other names: short protein forms F901fs.
Identifiers: ClinVar variation 1899117 (VCV001899117.5), dbSNP rs764420831, ClinGen allele CA2621937.
Genomic context (GRCh38, chr3:132,689,253, plus strand): 5'-ATTCTGTTGCCATTGCACTTTTGTCTTTGCCAACAAACTGCCAATAACTCAGCAACTCAG[CAA>C]AGTGTCCCCTGTTTCAACAAATAACAGTACTTTAATGAAAAACACACTTTAAAATCCATT-3'

ClinVar aggregate classification (germline): Pathogenic (1 of 4 stars; one submission).

Conditions:
Nephronophthisis. Also called: Juvenile Nephronophthisis. Identifiers: Orphanet 655, MedGen C0687120, MONDO:0019005, HP:0000090.

Submission:

Labcorp Genetics (formerly Invitae), Labcorp
Classification: Pathogenic for Nephronophthisis. Last evaluated: 2023-11-14. Review status: criteria provided, single submitter. Criteria: Invitae Variant Classification Sherloc (09022015). Collection method: clinical testing. Allele origin: germline.
Comment: This sequence change creates a premature translational stop signal (p.Phe901Cysfs*2) in the NPHP3 gene. It is expected to result in an absent or disrupted protein product. Loss-of-function variants in NPHP3 are known to be pathogenic (PMID: 18371931, 23559409). This variant is present in population databases (rs764420831, gnomAD 0.0009%). This variant has not been reported in the literature in individuals affected with NPHP3-related conditions. ClinVar contains an entry for this variant (Variation ID: 1899117). For these reasons, this variant has been classified as Pathogenic.

Literature cited by the submitters: PubMed 18371931; PubMed 23559409.